The following is an entry in ClinVar:

NM_015155.3(LARP4B):c.142-7589C>G

Gene: LARP4B (La ribonucleoprotein 4B; minus strand). Cytogenetic location: 10p15.3.
Variant type: single nucleotide variant.
Coding change: c.142-7589C>G on transcript NM_015155.3 (MANE Select); 7589 bases into the intron before coding-DNA position 142, C replaced by G.
Molecular consequence: intron variant.
Genome position (GRCh38, 1-based): chr10:871,859, G>C on the plus strand (C>G on the coding strand, the complement: LARP4B is on the minus strand). VCF-style: chr10-871859-G-C. GRCh37 (hg19) VCF-style: chr10-917799-G-C.
Other names: c.142-7589C>G (NM_001351277.2).
Identifiers: ClinVar variation 2640268 (VCV002640268.24), dbSNP rs2038933, ClinGen allele CA201936645.
Genomic context (GRCh38, chr10:871,859, plus strand): 5'-ATACTATCTGCTTTGTTAACGTCCAAGTAGAAATCATCGTTGTCTCTTAGTGGTGTGATA[G>C]AGTTATTTTCTCTCTCCTTTTTAGAATGTAAACTCTGGTCGACAACAACTGTTACCACCT-3'

ClinVar aggregate classification (germline): Likely benign (1 of 4 stars; one submission).

Allele frequency attached by ClinVar (database versions not stated): 1000 Genomes Project 0.00240; 1000 Genomes Project 30x 0.00281; TOPMed 0.00349; gnomAD 0.00385.
gnomAD v4.1: 591 of 152,274 alleles (0.39%); highest among the groups gnomAD compares: South Asian, 0.75%; 4 homozygotes.

Submission:

CeGaT Center for Human Genetics Tuebingen
Classification: Likely benign. Last evaluated: 2023-01-01. Review status: criteria provided, single submitter. Criteria: CeGaT Center For Human Genetics Tuebingen Variant Classification Criteria Version 2. Collection method: clinical testing. Allele origin: germline. Affected: yes. Observed: 1 variant allele.
Comment: LARP4B: BS2